The following is an entry in ClinVar:

NM_024422.6(DSC2):c.443C>G (p.Ser148Cys)

Gene: DSC2 (desmocollin 2; minus strand). Cytogenetic location: 18q12.1.
Variant type: single nucleotide variant.
Coding change: c.443C>G on transcript NM_024422.6 (MANE Select); coding-DNA position 443, C replaced by G.
Protein change: p.Ser148Cys; replaces serine 148 with cysteine.
Molecular consequence: missense variant.
Genome position (GRCh38, 1-based): chr18:31,091,059, G>C on the plus strand (C>G on the coding strand, the complement: DSC2 is on the minus strand). VCF-style: chr18-31091059-G-C. GRCh37 (hg19) VCF-style: chr18-28671022-G-C.
Other names: c.14C>G, p.Ser5Cys (NM_001406506.1, NM_001406507.1); c.443C>G, p.Ser148Cys (NM_004949.5); c.443C>G (NM_024422.3); short protein forms S148C, S5C.
Identifiers: ClinVar variation 2627261 (VCV002627261.5), dbSNP rs1282455246, ClinGen allele CA402114158.
Genomic context (GRCh38, chr18:31,091,059, plus strand): 5'-TCCCACAGCAGAAAGAAAGAAAACGGTACCTGTTGAAGGAAAAGTGGAAAAGGACCCAAG[G>C]AGTTTTCTAGCATCGAACAAGGAATTGGAGCCCATCTTCTCTTGGCGCGCCTTAGAACTT-3'
Protein context (NP_077740.1, residues 138-158): APIPCSMLEN[Ser148Cys]LGPFPLFLQQ

ClinVar aggregate classification (germline): Uncertain significance. Review status: criteria provided, multiple submitters, no conflicts (2 of 4 stars). 3 submissions from 3 submitters: Uncertain significance (3). Last evaluated 2026-04-25.

Conditions:
Arrhythmogenic right ventricular dysplasia 11. Also called: Arrhythmogenic Right Ventricular Dysplasia/Cardiomyopathy11; ARRHYTHMOGENIC RIGHT VENTRICULAR DYSPLASIA, FAMILIAL, 11; Arrhythmogenic right ventricular dysplasia 11 with mild palmoplantar keratoderma and woolly hair. Identifiers: MedGen C1864850, MONDO:0012506, OMIM 610476.

Allele frequency attached by ClinVar (database versions not stated): TOPMed below 0.00001; gnomAD exomes below 0.00001; gnomAD 0.00001.
gnomAD v4.1: 5 of 1,613,928 alleles (0.00031%); highest among the groups gnomAD compares: Non-Finnish European, 0.00034%; no homozygotes.

Submissions (3):

GeneDx
Classification: Uncertain significance. Last evaluated: 2026-04-25. Review status: criteria provided, single submitter. Criteria: GeneDx Variant Classification Process June 2021. Collection method: clinical testing. Allele origin: germline.
Comment: Not observed at significant frequency in large population cohorts (gnomAD); In silico analysis supports that this missense variant has a deleterious effect on protein structure/function; Has not been previously published as pathogenic or benign to our knowledge

Labcorp Genetics (formerly Invitae), Labcorp
Classification: Uncertain significance for Arrhythmogenic right ventricular dysplasia 11. Last evaluated: 2025-03-11. Review status: criteria provided, single submitter. Criteria: Invitae Variant Classification Sherloc (09022015). Collection method: clinical testing. Allele origin: germline.
Comment: This sequence change replaces serine, which is neutral and polar, with cysteine, which is neutral and slightly polar, at codon 148 of the DSC2 protein (p.Ser148Cys). This variant is present in population databases (no rsID available, gnomAD 0.002%). This variant has not been reported in the literature in individuals affected with DSC2-related conditions. ClinVar contains an entry for this variant (Variation ID: 2627261). Invitae Evidence Modeling of protein sequence and biophysical properties (such as structural, functional, and spatial information, amino acid conservation, physicochemical variation, residue mobility, and thermodynamic stability) has been performed for this missense variant. However, the output from this modeling did not meet the statistical confidence thresholds required to predict the impact of this variant on DSC2 protein function. In summary, the available evidence is currently insufficient to determine the role of this variant in disease. Therefore, it has been classified as a Variant of Uncertain Significance.

Women's Health and Genetics/Laboratory Corporation of America, LabCorp
Classification: Uncertain significance. Last evaluated: 2023-09-16. Review status: criteria provided, single submitter. Criteria: LabCorp Variant Classification Summary - May 2015. Collection method: clinical testing. Allele origin: germline.